The following is an entry in ClinVar:

ClinVar aggregate classification (germline): Uncertain significance (1 of 4 stars; one submission).

Conditions:
Cardiovascular phenotype. Identifiers: MedGen CN230736.

gnomAD v4.1: 2 of 1,613,830 alleles (0.00012%); highest among the groups gnomAD compares: South Asian, 0.0011%; no homozygotes.

Submission:

Ambry Genetics
Classification: Uncertain significance for Cardiovascular phenotype. Last evaluated: 2024-05-30. Review status: criteria provided, single submitter. Criteria: Ambry Variant Classification Scheme 2023. Collection method: clinical testing. Allele origin: germline.
Comment: The p.I159V variant (also known as c.475A>G), located in coding exon 6 of the CACNA2D1 gene, results from an A to G substitution at nucleotide position 475. The isoleucine at codon 159 is replaced by valine, an amino acid with highly similar properties. This amino acid position is conserved. In addition, this alteration is predicted to be tolerated by in silico analysis. Based on the available evidence, the clinical significance of this variant remains unclear.

NM_000722.4(CACNA2D1):c.475A>G (p.Ile159Val)

Gene: CACNA2D1 (calcium voltage-gated channel auxiliary subunit alpha2delta 1; minus strand). Cytogenetic location: 7q21.11.
Variant type: single nucleotide variant.
Coding change: c.475A>G on transcript NM_000722.4 (MANE Select); coding-DNA position 475, A replaced by G.
Protein change: p.Ile159Val; replaces isoleucine 159 with valine.
Molecular consequence: missense variant.
Genome position (GRCh38, 1-based): chr7:82,117,095, T>C on the plus strand (A>G on the coding strand, the complement: CACNA2D1 is on the minus strand). VCF-style: chr7-82117095-T-C. GRCh37 (hg19) VCF-style: chr7-81746411-T-C.
Other names: c.475A>G, p.Ile159Val (NM_001302890.2, NM_001366867.1); short protein forms I159V.
Identifiers: ClinVar variation 3262819 (VCV003262819.1).